The following is an entry in ClinVar:

ClinVar aggregate classification (germline): Likely pathogenic (1 of 4 stars; one submission).

Conditions:
Primary ciliary dyskinesia. Also called: Ciliary dyskinesia. Identifiers: Orphanet 244, MedGen C0008780, MONDO:0016575, HP:0012265.

Submission:

Labcorp Genetics (formerly Invitae), Labcorp
Classification: Likely pathogenic for Primary ciliary dyskinesia. Last evaluated: 2023-05-12. Review status: criteria provided, single submitter. Criteria: Invitae Variant Classification Sherloc (09022015). Collection method: clinical testing. Allele origin: germline.
Comment: In summary, the currently available evidence indicates that the variant is pathogenic, but additional data are needed to prove that conclusively. Therefore, this variant has been classified as Likely Pathogenic. Algorithms developed to predict the effect of sequence changes on RNA splicing suggest that this variant may disrupt the consensus splice site. This variant has not been reported in the literature in individuals affected with DNAH11-related conditions. This variant is not present in population databases (gnomAD no frequency). This sequence change affects a donor splice site in intron 16 of the DNAH11 gene. It is expected to disrupt RNA splicing. Variants that disrupt the donor or acceptor splice site typically lead to a loss of protein function (PMID: 16199547), and loss-of-function variants in DNAH11 are known to be pathogenic (PMID: 18022865, 20513915, 22184204).

Literature cited by the submitters: PubMed 16199547; PubMed 18022865; PubMed 20513915; PubMed 22184204.

NM_001277115.2(DNAH11):c.3255+1G>T

Genes: DNAH11 (dynein axonemal heavy chain 11; plus strand), LOC126859961 (BRD4-independent group 4 enhancer GRCh37_chr7:21639662-21640861; plus strand). Cytogenetic location: 7p15.3.
Variant type: single nucleotide variant.
Coding change: c.3255+1G>T on transcript NM_001277115.2 (MANE Select); the canonical splice donor site of the intron after coding-DNA position 3255, G replaced by T.
Molecular consequence: splice donor variant.
Genome position (GRCh38, 1-based): chr7:21,600,931, G>T. VCF-style: chr7-21600931-G-T. GRCh37 (hg19) VCF-style: chr7-21640549-G-T.
Identifiers: ClinVar variation 2804487 (VCV002804487.3), dbSNP rs2534633028, ClinGen allele CA366945453.
Genomic context (GRCh38, chr7:21,600,931, plus strand): 5'-GCTCATGCAAATGAAGAAATTCCCGAACAACCACCAACTCTTGAGCAATTCAAAGAACAG[G>T]CAAGGAAAACCCTTAGCATTTAATGTAGTGAAATGGCTTTTCACTGAGTTGTTCTAATTA-3'